The following is an entry in ClinVar:

ClinVar aggregate classification (germline): Uncertain significance (1 of 4 stars; one submission).

Submission:

GeneDx
Classification: Uncertain significance. Last evaluated: 2026-02-21. Review status: criteria provided, single submitter. Criteria: GeneDx Variant Classification Process June 2021. Collection method: clinical testing. Allele origin: germline.
Comment: In-frame deletion of 2 amino acid(s) and insertion of 1 different amino acid(s) in a non-repeat region; In silico analysis suggests that this variant does not alter protein structure/function; Has not been previously published as pathogenic or benign to our knowledge; Not observed at significant frequency in large population cohorts (gnomAD)

NM_001001331.4(ATP2B2):c.317_319del (p.Val106_Thr107delinsAla)

Gene: ATP2B2 (ATPase plasma membrane Ca2+ transporting 2; minus strand). Cytogenetic location: 3p25.3.
Variant type: Deletion.
Coding change: c.317_319del on transcript NM_001001331.4 (MANE Select); coding-DNA positions 317 to 319, 3 bases deleted (TGA; older notation c.317_319delTGA).
Protein change: p.Val106_Thr107delinsAla.
Molecular consequence: inframe indel.
Genome position (GRCh38, 1-based): chr3:10,410,696-10,410,698, TCA deleted on the plus strand (TGA on the coding strand, the reverse complement: ATP2B2 is on the minus strand). VCF-style (leftmost placement, unchanged base first): chr3-10410695-GTCA-G. GRCh37 (hg19) VCF-style: chr3-10452379-GTCA-G.
Other names: c.317_319del, p.Val106_Thr107delinsAla (NM_001330611.3, NM_001353564.1, NM_001363862.1 and 3 more transcripts).
Identifiers: ClinVar variation 5009693 (VCV005009693.1).